The following is an entry in ClinVar:

ClinVar aggregate classification (germline): Uncertain significance (1 of 4 stars; one submission).

Submission:

Dasa
Classification: Uncertain significance. Last evaluated: 2024-12-20. Review status: criteria provided, single submitter. Criteria: DASA Assertion Criteria. Collection method: clinical testing. Allele origin: germline.
Comment: NM_001375524.1(TRRAP):c.9023-7C>T is a splice-region variant. This variant is absent from population databases. Computational prediction algorithms are consistent with a benign effect. The currently available literature and clinical evidence are not sufficient to establish a definitive association between this variant and the reported condition. Therefore, this variant is classified as a variant of uncertain significance.

NM_001375524.1(TRRAP):c.9023-7C>T

Gene: TRRAP (transformation/transcription domain associated protein; plus strand). Cytogenetic location: 7q22.1.
Variant type: single nucleotide variant.
Coding change: c.9023-7C>T on transcript NM_001375524.1 (MANE Select); 7 bases into the intron before coding-DNA position 9023, C replaced by T.
Molecular consequence: intron variant.
Genome position (GRCh38, 1-based): chr7:98,984,086, C>T. VCF-style: chr7-98984086-C-T. GRCh37 (hg19) VCF-style: chr7-98581709-C-T.
Other names: c.9035-7C>T (NM_001244580.2); c.8948-7C>T (NM_003496.4).
Identifiers: ClinVar variation 4881276 (VCV004881276.2).